The following is an entry in ClinVar:

ClinVar aggregate classification (germline): Conflicting classifications of pathogenicity. Review status: criteria provided, conflicting classifications (1 of 4 stars). 3 submissions from 3 submitters: Uncertain significance (2); Likely benign (1). Last evaluated 2026-01-19.

Conditions:
Arrhythmogenic right ventricular dysplasia 9 (ARVD9). Also called: Arrhythmogenic Right Ventricular Dysplasia/Cardiomyopathy 9; ARRHYTHMOGENIC RIGHT VENTRICULAR DYSPLASIA, FAMILIAL, 9. Identifiers: MedGen C1836906, MONDO:0012180, OMIM 609040.

Allele frequency attached by ClinVar (database versions not stated): gnomAD exomes below 0.00001.
gnomAD v4.1: 1 of 1,606,390 alleles (0.000062%); highest among the groups gnomAD compares: East Asian, 0.0022%; no homozygotes.

Submissions (3):

Labcorp Genetics (formerly Invitae), Labcorp
Classification: Likely benign for Arrhythmogenic right ventricular dysplasia 9. Last evaluated: 2026-01-19. Review status: criteria provided, single submitter. Criteria: Invitae Variant Classification Sherloc (09022015). Collection method: clinical testing. Allele origin: germline.

Fulgent Genetics
Classification: Uncertain significance for Arrhythmogenic right ventricular dysplasia 9. Last evaluated: 2021-10-12. Review status: criteria provided, single submitter. Criteria: ACMG Guidelines, 2015. Collection method: clinical testing. Allele origin: unknown.

GeneDx
Classification: Uncertain significance. Last evaluated: 2020-09-11. Review status: criteria provided, single submitter. Criteria: GeneDx Variant Classification Process June 2021. Collection method: clinical testing. Allele origin: germline. Affected: yes.
Comment: Has not been previously published as pathogenic or benign to our knowledge; Not observed in large population cohorts (Lek et al., 2016); In silico analysis suggests this variant may impact gene splicing. In the absence of RNA/functional studies, the actual effect of this sequence change is unknown.

NM_001005242.3(PKP2):c.1644A>T (p.Gly548=)

Gene: PKP2 (plakophilin 2; minus strand). Cytogenetic location: 12p11.21.
Variant type: single nucleotide variant.
Coding change: c.1644A>T on transcript NM_001005242.3 (MANE Select); coding-DNA position 1644, A replaced by T.
Protein change: p.Gly548=; no amino-acid change (glycine 548 retained).
Molecular consequence: synonymous variant.
Genome position (GRCh38, 1-based): chr12:32,824,075, T>A on the plus strand (A>T on the coding strand, the complement: PKP2 is on the minus strand). VCF-style: chr12-32824075-T-A. GRCh37 (hg19) VCF-style: chr12-32977009-T-A.
Other names: c.1776A>T, p.Gly592= (NM_004572.4).
Identifiers: ClinVar variation 450145 (VCV000450145.8), dbSNP rs1555143127, ClinGen allele CA479176565.